The following is an entry in ClinVar:

NM_018433.6(KDM3A):c.3391G>A (p.Val1131Ile)

Gene: KDM3A (lysine demethylase 3A; plus strand). Cytogenetic location: 2p11.2.
Variant type: single nucleotide variant.
Coding change: c.3391G>A on transcript NM_018433.6 (MANE Select); coding-DNA position 3391, G replaced by A.
Protein change: p.Val1131Ile; replaces valine 1131 with isoleucine.
Molecular consequence: missense variant.
Genome position (GRCh38, 1-based): chr2:86,489,395, G>A. VCF-style: chr2-86489395-G-A. GRCh37 (hg19) VCF-style: chr2-86716518-G-A.
Other names: c.3391G>A, p.Val1131Ile (NM_001146688.2); short protein forms V1131I.
Identifiers: ClinVar variation 3044103 (VCV003044103.2), dbSNP rs113985244, ClinGen allele CA1749908.

ClinVar aggregate classification (germline): Benign (0 of 4 stars; one submission).

Conditions:
KDM3A-related disorder. Also called: KDM3A-related condition.

Allele frequency attached by ClinVar (database versions not stated): ExAC 0.00307; TOPMed 0.00132; gnomAD 0.00151; ESP Exome Variant Server 0.00185; 1000 Genomes Project 30x 0.00234; 1000 Genomes Project 0.00260; gnomAD exomes 0.00302.
gnomAD v4.1: 4,676 of 1,614,050 alleles (0.29%); highest among the groups gnomAD compares: South Asian, 1.4%; 31 homozygotes.

Submission:

PreventionGenetics, part of Exact Sciences
Classification: Benign for KDM3A-related condition. Last evaluated: 2019-06-07. Review status: no assertion criteria provided. Collection method: clinical testing. Allele origin: germline.
Comment: This variant is classified as benign based on ACMG/AMP sequence variant interpretation guidelines (Richards et al. 2015 PMID: 25741868, with internal and published modifications).